The following is an entry in ClinVar:

ClinVar aggregate classification (germline): Likely pathogenic (1 of 4 stars; one submission).

Allele frequency attached by ClinVar (database versions not stated): gnomAD exomes below 0.00001 and 0.00001; ExAC 0.00001.
gnomAD v4.1: 9 of 1,593,658 alleles (0.00056%); highest among the groups gnomAD compares: Non-Finnish European, 0.0006%; no homozygotes.

Submission:

Labcorp Genetics (formerly Invitae), Labcorp
Classification: Likely pathogenic. Last evaluated: 2022-06-13. Review status: criteria provided, single submitter. Criteria: Invitae Variant Classification Sherloc (09022015). Collection method: clinical testing. Allele origin: germline.
Comment: This sequence change affects an acceptor splice site in intron 8 of the LZTFL1 gene. It is expected to disrupt RNA splicing. Variants that disrupt the donor or acceptor splice site typically lead to a loss of protein function (PMID: 16199547), and loss-of-function variants in LZTFL1 are known to be pathogenic (PMID: 22510444, 23692385). In summary, the currently available evidence indicates that the variant is pathogenic, but additional data are needed to prove that conclusively. Therefore, this variant has been classified as Likely Pathogenic. Algorithms developed to predict the effect of sequence changes on RNA splicing suggest that this variant may disrupt the consensus splice site. This variant has not been reported in the literature in individuals affected with LZTFL1-related conditions. This variant is present in population databases (rs751242409, gnomAD 0.0009%).

Literature cited by the submitters: PubMed 16199547; PubMed 22510444; PubMed 23692385.

NM_020347.4(LZTFL1):c.778-1G>A

Gene: LZTFL1 (leucine zipper transcription factor like 1; minus strand). Cytogenetic location: 3p21.31.
Variant type: single nucleotide variant.
Coding change: c.778-1G>A on transcript NM_020347.4 (MANE Select); the canonical splice acceptor site of the intron before coding-DNA position 778, G replaced by A.
Molecular consequence: splice acceptor variant. On other transcripts: intron variant (6).
Genome position (GRCh38, 1-based): chr3:45,827,460, C>T on the plus strand (G>A on the coding strand, the complement: LZTFL1 is on the minus strand). VCF-style: chr3-45827460-C-T. GRCh37 (hg19) VCF-style: chr3-45868952-C-T.
Other names: c.801+979G>A (NM_001405925.1); c.802-1G>A (NM_001405920.1); c.765+979G>A (NM_001276379.2); c.766-1G>A (NM_001405921.1); c.726+979G>A (NM_001405927.1, NM_001405926.1, NM_001405928.1); c.727-1G>A (NM_001276378.2, NM_001405923.1, NM_001386451.1 and 1 more transcripts); c.712-1G>A (NM_001405924.1); c.777+979G>A (NM_001386452.1).
Identifiers: ClinVar variation 1345900 (VCV001345900.8), dbSNP rs751242409, ClinGen allele CA2351855.